The following is an entry in ClinVar:

ClinVar aggregate classification (germline): Uncertain significance (1 of 4 stars; one submission).

Conditions:
Fanconi anemia complementation group J. Also called: BRIP1-Related Fanconi Anemia. Identifiers: Orphanet 84, MedGen C1836860, MONDO:0012187, OMIM 609054.
Familial cancer of breast. Also called: BREAST CANCER, FAMILIAL; Hereditary breast cancer; hereditary breast carcinoma. Identifiers: Orphanet 227535, MedGen C0346153, MONDO:0016419, OMIM 114480. Disease mechanism: loss of function.

Allele frequency attached by ClinVar (database versions not stated): gnomAD exomes below 0.00001.
gnomAD v4.1: 1 of 1,613,468 alleles (0.000062%); highest among the groups gnomAD compares: Non-Finnish European, 0.000085%; no homozygotes.

Submission:

Labcorp Genetics (formerly Invitae), Labcorp
Classification: Uncertain significance for Familial cancer of breast; Fanconi anemia complementation group J. Last evaluated: 2023-05-07. Review status: criteria provided, single submitter. Criteria: Invitae Variant Classification Sherloc (09022015). Collection method: clinical testing. Allele origin: germline.
Comment: This sequence change replaces arginine, which is basic and polar, with lysine, which is basic and polar, at codon 1174 of the BRIP1 protein (p.Arg1174Lys). This variant is not present in population databases (gnomAD no frequency). This variant has not been reported in the literature in individuals affected with BRIP1-related conditions. Algorithms developed to predict the effect of missense changes on protein structure and function output the following: SIFT: "Not Available"; PolyPhen-2: "Benign"; Align-GVGD: "Not Available". The lysine amino acid residue is found in multiple mammalian species, which suggests that this missense change does not adversely affect protein function. In summary, the available evidence is currently insufficient to determine the role of this variant in disease. Therefore, it has been classified as a Variant of Uncertain Significance.

NM_032043.3(BRIP1):c.3521G>A (p.Arg1174Lys)

Gene: BRIP1 (BRCA1 interacting DNA helicase 1; minus strand). Cytogenetic location: 17q23.2.
Variant type: single nucleotide variant.
Coding change: c.3521G>A on transcript NM_032043.3 (MANE Select); coding-DNA position 3521, G replaced by A.
Protein change: p.Arg1174Lys; replaces arginine 1174 with lysine.
Molecular consequence: missense variant.
Genome position (GRCh38, 1-based): chr17:61,683,525, C>T on the plus strand (G>A on the coding strand, the complement: BRIP1 is on the minus strand). VCF-style: chr17-61683525-C-T. GRCh37 (hg19) VCF-style: chr17-59760886-C-T.
Other names: short protein forms R1174K.
Identifiers: ClinVar variation 2947540 (VCV002947540.3), dbSNP rs786202662, ClinGen allele CA400478433.